The following is an entry in ClinVar:

ClinVar aggregate classification (germline): Uncertain significance. Review status: criteria provided, multiple submitters, no conflicts (2 of 4 stars). 8 submissions from 7 submitters: Uncertain significance (6). 2 of the submissions do not count toward it. Last evaluated 2024-12-16.

Conditions:
Retinal dystrophy. Also called: Inherited retinal dystrophy. Identifiers: Orphanet 71862, MedGen C0854723, MeSH D058499, MONDO:0019118, HP:0000556.
Retinitis pigmentosa 39 (RP39). Identifiers: Orphanet 791, MedGen C3151138, MONDO:0013436, OMIM 613809.
Usher syndrome type 2A. Also called: RETINAL DISEASE IN USHER SYNDROME TYPE IIA, MODIFIER OF; USHER SYNDROME, TYPE IIA. Identifiers: Orphanet 231178, Orphanet 886, MedGen C1848634, MONDO:0010169, OMIM 276901.

Allele frequency attached by ClinVar (database versions not stated): gnomAD 0.00003 and 0.00006; ExAC 0.00004; gnomAD exomes 0.00004; TOPMed 0.00005.
gnomAD v4.1: 66 of 1,614,020 alleles (0.0041%); highest among the groups gnomAD compares: Middle Eastern, 0.12%; 1 homozygote.

Submissions (8):

GeneDx
Classification: Uncertain significance. Last evaluated: 2024-12-16. Review status: criteria provided, single submitter. Criteria: GeneDx Variant Classification Process June 2021. Collection method: clinical testing. Allele origin: germline. Affected: yes.
Comment: Reported without a second variant in two unrelated patients with retinitis pigmentosa in published literature (McGee et al., 2010); In silico analysis indicates that this missense variant does not alter protein structure/function; This variant is associated with the following publications: (PMID: 20507924)

Blueprint Genetics
Classification: Uncertain significance. Last evaluated: 2024-09-15. Review status: criteria provided, single submitter. Criteria: ACMG Guidelines, 2015. Collection method: clinical testing. Allele origin: germline.

Genome-Nilou Lab
Classification: Uncertain significance for Retinitis pigmentosa 39. Last evaluated: 2023-11-04. Review status: criteria provided, single submitter. Criteria: ACMG Guidelines, 2015. Collection method: clinical testing. Allele origin: germline. Affected: no.

Genome-Nilou Lab
Classification: Uncertain significance for Usher syndrome type 2A. Last evaluated: 2023-11-04. Review status: criteria provided, single submitter. Criteria: ACMG Guidelines, 2015. Collection method: clinical testing. Allele origin: germline. Affected: no.

Labcorp Genetics (formerly Invitae), Labcorp
Classification: Uncertain significance. Last evaluated: 2022-10-13. Review status: criteria provided, single submitter. Criteria: Invitae Variant Classification Sherloc (09022015). Collection method: clinical testing. Allele origin: germline.
Comment: This sequence change replaces asparagine, which is neutral and polar, with lysine, which is basic and polar, at codon 2930 of the USH2A protein (p.Asn2930Lys). This variant is present in population databases (rs754774098, gnomAD 0.02%). This missense change has been observed in individual(s) with retinitis pigmentosa (PMID: 20507924). ClinVar contains an entry for this variant (Variation ID: 866103). Advanced modeling of protein sequence and biophysical properties (such as structural, functional, and spatial information, amino acid conservation, physicochemical variation, residue mobility, and thermodynamic stability) performed at Invitae indicates that this missense variant is not expected to disrupt USH2A protein function. In summary, the available evidence is currently insufficient to determine the role of this variant in disease. Therefore, it has been classified as a Variant of Uncertain Significance.

ARUP Laboratories, Molecular Genetics and Genomics, ARUP Laboratories
Classification: Uncertain significance. Last evaluated: 2019-08-18. Review status: criteria provided, single submitter. Criteria: ARUP Molecular Germline Variant Investigation Process. Collection method: clinical testing. Allele origin: germline.
Comment: The USH2A c.8790T>G; p.Asn2930Lys variant (rs754774098) is reported in the literature in several individuals affected with retinitis pigmentosa, although it was not demonstrated to be disease-causing in these individuals (McGee 2010). This variant is found in the general population with an overall allele frequency of 0.004% (10/282720 alleles) in the Genome Aggregation Database. The asparagine at codon 2930 is weakly conserved, and computational analyses (SIFT, PolyPhen-2) predict that this variant is tolerated. However, due to limited information, the clinical significance of the p.Asn2930Lys variant is uncertain at this time. References: McGee TL et al. Novel mutations in the long isoform of the USH2A gene in patients with Usher syndrome type II or non-syndromic retinitis pigmentosa. J Med Genet. 2010 Jul;47(7):499-506.

Natera, Inc.
Classification: Uncertain significance for Usher syndrome type 2A. Last evaluated: 2020-08-08. Review status: no assertion criteria provided. Collection method: clinical testing. Allele origin: germline. Not counted in ClinVar's aggregate classification.

Institute of Human Genetics, Univ. Regensburg, Univ. Regensburg
Classification: Likely benign for Retinal dystrophy. Last evaluated: 2013-01-01. Review status: no assertion criteria provided. Criteria: ACMG Guidelines, 2015. Collection method: clinical testing. Allele origin: germline. Affected: yes. Not counted in ClinVar's aggregate classification.

Literature cited by the submitters: PubMed 20507924 (cited by Labcorp Genetics (formerly Invitae), Labcorp).

NM_206933.4(USH2A):c.8790T>G (p.Asn2930Lys)

Gene: USH2A (usherin; minus strand). Cytogenetic location: 1q41.
Variant type: single nucleotide variant.
Coding change: c.8790T>G on transcript NM_206933.4 (MANE Select); coding-DNA position 8790, T replaced by G.
Protein change: p.Asn2930Lys; replaces asparagine 2930 with lysine.
Molecular consequence: missense variant.
Genome position (GRCh38, 1-based): chr1:215,867,062, A>C on the plus strand (T>G on the coding strand, the complement: USH2A is on the minus strand). VCF-style: chr1-215867062-A-C. GRCh37 (hg19) VCF-style: chr1-216040404-A-C.
Other names: short protein forms N2930K.
Identifiers: ClinVar variation 866103 (VCV000866103.16), dbSNP rs754774098, ClinGen allele CA1394505.